The following is an entry in ClinVar:

NM_181507.2(HPS5):c.1805G>A (p.Ser602Asn)

Gene: HPS5 (HPS5 biogenesis of lysosomal organelles complex 2 subunit 2; minus strand). Cytogenetic location: 11p15.1.
Variant type: single nucleotide variant.
Coding change: c.1805G>A on transcript NM_181507.2 (MANE Select); coding-DNA position 1805, G replaced by A.
Protein change: p.Ser602Asn; replaces serine 602 with asparagine.
Molecular consequence: missense variant.
Genome position (GRCh38, 1-based): chr11:18,292,956, C>T on the plus strand (G>A on the coding strand, the complement: HPS5 is on the minus strand). VCF-style: chr11-18292956-C-T. GRCh37 (hg19) VCF-style: chr11-18314503-C-T.
Other names: c.1463G>A, p.Ser488Asn (NM_007216.4, NM_181508.2); short protein forms S488N, S602N.
Identifiers: ClinVar variation 879740 (VCV000879740.10), dbSNP rs142793392, ClinGen allele CA5909989.

ClinVar aggregate classification (germline): Uncertain significance. Review status: criteria provided, multiple submitters, no conflicts (2 of 4 stars). 5 submissions from 5 submitters: Uncertain significance (5). Last evaluated 2025-06-13.

Conditions:
Hermansky-Pudlak syndrome 5 (HPS5). Identifiers: Orphanet 231512, Orphanet 79430, MedGen C3888004, MONDO:0013557, OMIM 614074.

Allele frequency attached by ClinVar (database versions not stated): gnomAD 0.00015; ESP Exome Variant Server 0.00023; TOPMed 0.00024; 1000 Genomes Project 30x 0.00047; 1000 Genomes Project 0.00060.
gnomAD v4.1: 79 of 1,613,740 alleles (0.0049%); highest among the groups gnomAD compares: African/African-American, 0.053%; no homozygotes.

Submissions (5):

Women's Health and Genetics/Laboratory Corporation of America, LabCorp
Classification: Uncertain significance. Last evaluated: 2025-06-13. Review status: criteria provided, single submitter. Criteria: LabCorp Variant Classification Summary - May 2015. Collection method: clinical testing. Allele origin: germline.
Comment: Variant summary: HPS5 c.1805G>A (p.Ser602Asn) results in a conservative amino acid change in the encoded protein sequence. Algorithms developed to predict the effect of missense changes on protein structure and function all suggest that this variant is likely to be tolerated. The variant allele was found at a frequency of 8e-05 in 251456 control chromosomes. This frequency is not significantly higher than estimated for a pathogenic variant in HPS5 causing Hermansky-Pudlak Syndrome (8e-05 vs 0.00047), allowing no conclusion about variant significance. To our knowledge, no occurrence of c.1805G>A in individuals affected with Hermansky-Pudlak Syndrome and no experimental evidence demonstrating its impact on protein function have been reported. ClinVar contains an entry for this variant (Variation ID: 879740). Based on the evidence outlined above, the variant was classified as uncertain significance.

Labcorp Genetics (formerly Invitae), Labcorp
Classification: Uncertain significance. Last evaluated: 2022-07-19. Review status: criteria provided, single submitter. Criteria: Invitae Variant Classification Sherloc (09022015). Collection method: clinical testing. Allele origin: germline.
Comment: This sequence change replaces serine, which is neutral and polar, with asparagine, which is neutral and polar, at codon 602 of the HPS5 protein (p.Ser602Asn). This variant is present in population databases (rs142793392, gnomAD 0.07%). This variant has not been reported in the literature in individuals affected with HPS5-related conditions. ClinVar contains an entry for this variant (Variation ID: 879740). Algorithms developed to predict the effect of missense changes on protein structure and function (SIFT, PolyPhen-2, Align-GVGD) all suggest that this variant is likely to be tolerated. In summary, the available evidence is currently insufficient to determine the role of this variant in disease. Therefore, it has been classified as a Variant of Uncertain Significance.

Fulgent Genetics
Classification: Uncertain significance for Hermansky-Pudlak syndrome 5. Last evaluated: 2021-10-18. Review status: criteria provided, single submitter. Criteria: ACMG Guidelines, 2015. Collection method: clinical testing. Allele origin: unknown.

GeneDx
Classification: Uncertain significance. Last evaluated: 2021-04-12. Review status: criteria provided, single submitter. Criteria: GeneDx Variant Classification Process June 2021. Collection method: clinical testing. Allele origin: germline. Affected: yes.
Comment: In silico analysis supports that this missense variant does not alter protein structure/function; Has not been previously published as pathogenic or benign to our knowledge

Illumina Laboratory Services, Illumina
Classification: Uncertain significance for Hermansky-Pudlak syndrome 5. Last evaluated: 2018-01-13. Review status: criteria provided, single submitter. Criteria: ICSL Variant Classification Criteria 13 December 2019. Collection method: clinical testing. Allele origin: germline.